The following is an entry in ClinVar:

ClinVar aggregate classification (germline): Uncertain significance. Review status: criteria provided, multiple submitters, no conflicts (2 of 4 stars). 4 submissions from 4 submitters: Uncertain significance (4). Last evaluated 2025-08-10.

Conditions:
Autosomal recessive hypophosphatemic bone disease (HHRH). Also called: Hypophosphatemic rickets with hypercalciuria; HYPERCALCIURIC RICKETS. Identifiers: Orphanet 157215, MedGen C1853271, MONDO:0009431, OMIM 241530.
SLC34A3-related disorder. Also called: SLC34A3-related condition.

Allele frequency attached by ClinVar (database versions not stated): gnomAD exomes 0.00005 and 0.00010; ExAC 0.00010; gnomAD 0.00011; TOPMed 0.00011.
gnomAD v4.1: 152 of 1,605,378 alleles (0.0095%); highest among the groups gnomAD compares: Non-Finnish European, 0.012%; no homozygotes.

Submissions (4):

PreventionGenetics, part of Exact Sciences
Classification: Uncertain significance for SLC34A3-related condition. Last evaluated: 2025-08-10. Review status: criteria provided, single submitter. Criteria: ACMG Guidelines, 2015. Collection method: clinical testing. Allele origin: germline.
Comment: The SLC34A3 c.995T>C variant is predicted to result in the amino acid substitution p.Leu332Pro. This variant was reported in an individual with hypophosphatemia and was also detected in the mother and grandmother that had low serum phosphate (Stürznickel et al. 2022. PubMed ID: 35689455). This variant was also reported as a variant of uncertain significance in a large cohort study of individuals with hypophosphatemia (Supp. Table 2, Rush et al. 2021. PubMed ID: 34633109). This variant is reported in 0.0098% of alleles in individuals of European (non-Finnish) descent in gnomAD. At this time, the clinical significance of this variant is uncertain due to the absence of conclusive functional and genetic evidence.

Fulgent Genetics
Classification: Uncertain significance for Autosomal recessive hypophosphatemic bone disease. Last evaluated: 2024-02-24. Review status: criteria provided, single submitter. Criteria: ACMG Guidelines, 2015. Collection method: clinical testing. Allele origin: germline.

Blueprint Genetics
Classification: Uncertain significance. Last evaluated: 2024-02-12. Review status: criteria provided, single submitter. Criteria: ACMG Guidelines, 2015. Collection method: clinical testing. Allele origin: germline.

Labcorp Genetics (formerly Invitae), Labcorp
Classification: Uncertain significance. Last evaluated: 2022-06-30. Review status: criteria provided, single submitter. Criteria: Invitae Variant Classification Sherloc (09022015). Collection method: clinical testing. Allele origin: germline.
Comment: This sequence change replaces leucine, which is neutral and non-polar, with proline, which is neutral and non-polar, at codon 332 of the SLC34A3 protein (p.Leu332Pro). This variant is present in population databases (rs765668692, gnomAD 0.01%). This variant has not been reported in the literature in individuals affected with SLC34A3-related conditions. ClinVar contains an entry for this variant (Variation ID: 937083). Algorithms developed to predict the effect of missense changes on protein structure and function are either unavailable or do not agree on the potential impact of this missense change (SIFT: "Deleterious"; PolyPhen-2: "Probably Damaging"; Align-GVGD: "Class C0"). In summary, the available evidence is currently insufficient to determine the role of this variant in disease. Therefore, it has been classified as a Variant of Uncertain Significance.

NM_001177316.2(SLC34A3):c.995T>C (p.Leu332Pro)

Gene: SLC34A3 (solute carrier family 34 member 3; plus strand). Cytogenetic location: 9q34.3.
Variant type: single nucleotide variant.
Coding change: c.995T>C on transcript NM_001177316.2 (MANE Select); coding-DNA position 995, T replaced by C.
Protein change: p.Leu332Pro; replaces leucine 332 with proline.
Molecular consequence: missense variant.
Genome position (GRCh38, 1-based): chr9:137,234,178, T>C. VCF-style: chr9-137234178-T-C. GRCh37 (hg19) VCF-style: chr9-140128630-T-C.
Other names: c.995T>C, p.Leu332Pro (NM_001177317.2, NM_080877.3); short protein forms L332P.
Identifiers: ClinVar variation 937083 (VCV000937083.9), dbSNP rs765668692, ClinGen allele CA5364720.